The following is an entry in ClinVar:

ClinVar aggregate classification (germline): Uncertain significance. Review status: criteria provided, multiple submitters, no conflicts (2 of 4 stars). 4 submissions from 4 submitters: Uncertain significance (4). Last evaluated 2026-04-15.

Conditions:
Inborn genetic diseases. Identifiers: MedGen C0950123, MeSH D030342.

Allele frequency attached by ClinVar (database versions not stated): gnomAD exomes 0.00001 and 0.00002; ExAC 0.00002; TOPMed 0.00002; gnomAD 0.00003.

Submissions (4):

GeneDx
Classification: Uncertain significance. Last evaluated: 2026-04-15. Review status: criteria provided, single submitter. Criteria: GeneDx Variant Classification Process June 2021. Collection method: clinical testing. Allele origin: germline.
Comment: Not observed at significant frequency in large population cohorts (gnomAD); In silico analysis supports that this missense variant has a deleterious effect on protein structure/function; Has not been previously published as pathogenic or benign to our knowledge

Ambry Genetics
Classification: Uncertain significance for Inborn genetic diseases. Last evaluated: 2025-09-04. Review status: criteria provided, single submitter. Criteria: Ambry Variant Classification Scheme 2023. Collection method: clinical testing. Allele origin: germline.

Labcorp Genetics (formerly Invitae), Labcorp
Classification: Uncertain significance. Last evaluated: 2022-01-15. Review status: criteria provided, single submitter. Criteria: Invitae Variant Classification Sherloc (09022015). Collection method: clinical testing. Allele origin: germline.
Comment: This sequence change replaces alanine, which is neutral and non-polar, with valine, which is neutral and non-polar, at codon 348 of the ABHD12 protein (p.Ala348Val). This variant is present in population databases (rs773891664, gnomAD 0.006%). This variant has not been reported in the literature in individuals affected with ABHD12-related conditions. ClinVar contains an entry for this variant (Variation ID: 957584). Algorithms developed to predict the effect of missense changes on protein structure and function (SIFT, PolyPhen-2, Align-GVGD) all suggest that this variant is likely to be disruptive. In summary, the available evidence is currently insufficient to determine the role of this variant in disease. Therefore, it has been classified as a Variant of Uncertain Significance.

CeGaT Center for Human Genetics Tuebingen
Classification: Uncertain significance. Last evaluated: 2021-12-01. Review status: criteria provided, single submitter. Criteria: CeGaT Center For Human Genetics Tuebingen Variant Classification Criteria Version 2. Collection method: clinical testing. Allele origin: germline. Affected: yes. Observed: 1 variant allele.

NM_001042472.3(ABHD12):c.1043C>T (p.Ala348Val)

Gene: ABHD12 (abhydrolase domain containing 12, lysophospholipase; minus strand). Cytogenetic location: 20p11.21.
Variant type: single nucleotide variant.
Coding change: c.1043C>T on transcript NM_001042472.3 (MANE Select); coding-DNA position 1043, C replaced by T.
Protein change: p.Ala348Val; replaces alanine 348 with valine.
Molecular consequence: missense variant.
Genome position (GRCh38, 1-based): chr20:25,302,333, G>A on the plus strand (C>T on the coding strand, the complement: ABHD12 is on the minus strand). VCF-style: chr20-25302333-G-A. GRCh37 (hg19) VCF-style: chr20-25282969-G-A.
Other names: c.1043C>T, p.Ala348Val (NM_015600.5); short protein forms A348V.
Identifiers: ClinVar variation 957584 (VCV000957584.42), dbSNP rs773891664, ClinGen allele CA9795836.
Genomic context (GRCh38, chr20:25,302,333, plus strand): 5'-AGGTCTGAATGAAAGGGCACAAACTGAACTTTGAAATCTCGGAAGCTTCGAGCTGGTGCG[G>A]CGATGCTATAGAGCTGGGGAGAGAGGGGTCAGAGCCTGAGGCAGTGGCCTGGCATGGGGG-3'
Protein context (NP_001035937.1, residues 338-358): FQLGRKLYSI[Ala348Val]APARSFRDFK